The following is an entry in ClinVar:

ClinVar aggregate classification (germline): Likely benign. Review status: criteria provided, single submitter (1 of 4 stars). 2 submissions from 2 submitters: Likely benign (1). 1 of the submissions does not count toward it. Last evaluated 2025-05-20.

Conditions:
C1R-related disorder. Also called: C1R-related condition.

gnomAD v4.1: 23 of 776,874 alleles (0.003%); highest among the groups gnomAD compares: Non-Finnish European, 0.005%; no homozygotes.

Submissions (2):

Women's Health and Genetics/Laboratory Corporation of America, LabCorp
Classification: Likely benign. Last evaluated: 2025-05-20. Review status: criteria provided, single submitter. Criteria: LabCorp Variant Classification Summary - May 2015. Collection method: clinical testing. Allele origin: germline.

PreventionGenetics, part of Exact Sciences
Classification: Likely benign for C1R-related condition. Last evaluated: 2023-01-26. Review status: no assertion criteria provided. Collection method: clinical testing. Allele origin: germline. Not counted in ClinVar's aggregate classification.
Comment: This variant is classified as likely benign based on ACMG/AMP sequence variant interpretation guidelines (Richards et al. 2015 PMID: 25741868, with internal and published modifications).

NM_001733.7(C1R):c.876G>C (p.Ser292=)

Gene: C1R (complement C1r; minus strand). Cytogenetic location: 12p13.31.
Variant type: single nucleotide variant.
Coding change: c.876G>C on transcript NM_001733.7 (MANE Select); coding-DNA position 876, G replaced by C.
Protein change: p.Ser292=; no amino-acid change (serine 292 retained).
Molecular consequence: synonymous variant.
Genome position (GRCh38, 1-based): chr12:7,088,879, C>G on the plus strand (G>C on the coding strand, the complement: C1R is on the minus strand). VCF-style: chr12-7088879-C-G. GRCh37 (hg19) VCF-style: chr12-7241475-C-G.
Other names: c.918G>C, p.Ser306= (NM_001354346.2).
Identifiers: ClinVar variation 3036693 (VCV003036693.3), dbSNP rs570489350, ClinGen allele CA232467711.
Genomic context (GRCh38, chr12:7,088,879, plus strand): 5'-AGGCCTGCAGGGAGCCTTACTCTCGGTGGTGTAGCGCAGCTTCCAGCCCCGGCTGTCCCC[C>G]GACTCATCTGTGAAGAACAGCAGATCCACAGCATTGCTGCTGGTGTCGAGGTCGGGGGGC-3'
Protein context (NP_001724.4, residues 282-302): AVDLLFFTDE[Ser292=]GDSRGWKLRY